The following is an entry in ClinVar:

NM_000388.4(CASR):c.1034dup (p.Asn345fs)

Gene: CASR (calcium sensing receptor; plus strand). Cytogenetic location: 3q21.1.
Variant type: Duplication.
Coding change: c.1034dup on transcript NM_000388.4 (MANE Select); coding-DNA position 1034, one base duplicated (A; older notation c.1034dupA).
Protein change: p.Asn345fs; shifts the reading frame from asparagine 345.
Molecular consequence: frameshift variant.
Genome position (GRCh38, 1-based): chr3:122,262,069, A duplicated; the last of 2 consecutive A bases (chr3:122,262,068-122,262,069); duplicating either gives the same sequence. VCF-style (leftmost placement, unchanged base first): chr3-122262067-C-CA. GRCh37 (hg19) VCF-style: chr3-121980914-C-CA.
Other names: c.1034dup, p.Asn345fs (NM_001178065.2); short protein forms N345fs.
Identifiers: ClinVar variation 3759823 (VCV003759823.3).

ClinVar aggregate classification (germline): Pathogenic/Likely pathogenic. Review status: criteria provided, multiple submitters, no conflicts (2 of 4 stars). 2 submissions from 2 submitters: Pathogenic (1); Likely pathogenic (1). Last evaluated 2024-11-20.

Conditions:
Familial hypocalciuric hypercalcemia (FHH). Also called: Familial benign hypercalcemia. Identifiers: Orphanet 405, MedGen C1809471, MONDO:0018458.
Autosomal dominant hypocalcemia 1 (HYPOC1). Also called: HYPOCALCEMIA, FAMILIAL. Identifiers: MedGen C3715128, MONDO:0011013, OMIM 601198.
CASR-related disorder. Also called: CASR-related condition.

Submissions (2):

Labcorp Genetics (formerly Invitae), Labcorp
Classification: Pathogenic for Familial hypocalciuric hypercalcemia; Autosomal dominant hypocalcemia 1. Last evaluated: 2024-11-20. Review status: criteria provided, single submitter. Criteria: Invitae Variant Classification Sherloc (09022015). Collection method: clinical testing. Allele origin: germline.
Comment: This sequence change creates a premature translational stop signal (p.Asn345Lysfs*13) in the CASR gene. It is expected to result in an absent or disrupted protein product. Loss-of-function variants in CASR are known to be pathogenic (PMID: 11807402, 14985373, 22422767). This variant is not present in population databases (gnomAD no frequency). This variant has not been reported in the literature in individuals affected with CASR-related conditions. For these reasons, this variant has been classified as Pathogenic.

Blueprint Genetics
Classification: Likely pathogenic for CASR-related disorders. Last evaluated: 2023-08-15. Review status: criteria provided, single submitter. Criteria: ACMG Guidelines, 2015. Collection method: clinical testing. Allele origin: germline. Affected: yes. Observed: 1 variant allele.

Literature cited by the submitters: PubMed 11807402 (cited by Labcorp Genetics (formerly Invitae), Labcorp); PubMed 14985373 (cited by Labcorp Genetics (formerly Invitae), Labcorp); PubMed 22422767 (cited by Labcorp Genetics (formerly Invitae), Labcorp).